The following is an entry in ClinVar:

NM_001190274.2(FBXO11):c.607G>A (p.Val203Ile)

Gene: FBXO11 (F-box protein 11; minus strand). Cytogenetic location: 2p16.3.
Variant type: single nucleotide variant.
Coding change: c.607G>A on transcript NM_001190274.2 (MANE Select); coding-DNA position 607, G replaced by A.
Protein change: p.Val203Ile; replaces valine 203 with isoleucine.
Molecular consequence: missense variant.
Genome position (GRCh38, 1-based): chr2:47,835,982, C>T on the plus strand (G>A on the coding strand, the complement: FBXO11 is on the minus strand). VCF-style: chr2-47835982-C-T. GRCh37 (hg19) VCF-style: chr2-48063121-C-T.
Other names: c.355G>A, p.Val119Ile (NM_001374325.1, NM_025133.4); short protein forms V119I, V203I.
Identifiers: ClinVar variation 1380561 (VCV001380561.6), dbSNP rs1433521362, ClinGen allele CA346812398.

ClinVar aggregate classification (germline): Uncertain significance (1 of 4 stars; one submission).

Submission:

Labcorp Genetics (formerly Invitae), Labcorp
Classification: Uncertain significance. Last evaluated: 2021-09-10. Review status: criteria provided, single submitter. Criteria: Invitae Variant Classification Sherloc (09022015). Collection method: clinical testing. Allele origin: germline.
Comment: In summary, the available evidence is currently insufficient to determine the role of this variant in disease. Therefore, it has been classified as a Variant of Uncertain Significance. This sequence change replaces valine with isoleucine at codon 203 of the FBXO11 protein (p.Val203Ile). The valine residue is highly conserved and there is a small physicochemical difference between valine and isoleucine. This variant is not present in population databases (ExAC no frequency). This variant has not been reported in the literature in individuals affected with FBXO11-related conditions. Algorithms developed to predict the effect of missense changes on protein structure and function (SIFT, PolyPhen-2, Align-GVGD) all suggest that this variant is likely to be tolerated.